The following is an entry in ClinVar:

ClinVar aggregate classification (germline): Uncertain significance. Review status: criteria provided, multiple submitters, no conflicts (2 of 4 stars). 3 submissions from 3 submitters: Uncertain significance (3). Last evaluated 2024-04-10.

Conditions:
Charcot-Marie-Tooth disease type 2A1. Also called: CHARCOT-MARIE-TOOTH DISEASE, AXONAL, AUTOSOMAL DOMINANT, TYPE 2A1; CHARCOT-MARIE-TOOTH DISEASE, NEURONAL, TYPE 2A1; CHARCOT-MARIE-TOOTH NEUROPATHY, TYPE 2A1; HEREDITARY MOTOR AND SENSORY NEUROPATHY IIA1; CHARCOT-MARIE-TOOTH DISEASE, AXONAL, TYPE 2A1. Identifiers: Orphanet 99946, MedGen C1861678, MONDO:0007308, OMIM 118210.
Neuroblastoma, susceptibility to, 1. Identifiers: MedGen C2749485, MONDO:0009741, OMIM 256700.
Charcot-Marie-Tooth disease type 2. Also called: Charcot-Marie-Tooth type 2. Identifiers: Orphanet 64746, MedGen C0270914, MONDO:0018993.

Allele frequency attached by ClinVar (database versions not stated): gnomAD 0.00001; gnomAD exomes 0.00001 and below 0.00001; TOPMed 0.00001; ExAC 0.00001.
gnomAD v4.1: 19 of 1,613,914 alleles (0.0012%); highest among the groups gnomAD compares: Non-Finnish European, 0.0016%; no homozygotes.

Submissions (3):

Fulgent Genetics
Classification: Uncertain significance for Charcot-Marie-Tooth disease type 2A1; Neuroblastoma, susceptibility to, 1. Last evaluated: 2024-04-10. Review status: criteria provided, single submitter. Criteria: ACMG Guidelines, 2015. Collection method: clinical testing. Allele origin: germline.

Ambry Genetics
Classification: Uncertain significance. Last evaluated: 2024-03-19. Review status: criteria provided, single submitter. Criteria: Ambry Variant Classification Scheme 2023. Collection method: clinical testing. Allele origin: germline.
Comment: The p.R372Q variant (also known as c.1115G>A), located in coding exon 11 of the KIF1B gene, results from a G to A substitution at nucleotide position 1115. The arginine at codon 372 is replaced by glutamine, an amino acid with highly similar properties. This amino acid position is conserved. In addition, the in silico prediction for this alteration is inconclusive. Since supporting evidence is limited at this time, the clinical significance of this alteration remains unclear.

Labcorp Genetics (formerly Invitae), Labcorp
Classification: Uncertain significance for Charcot-Marie-Tooth disease type 2. Last evaluated: 2020-01-09. Review status: criteria provided, single submitter. Criteria: Invitae Variant Classification Sherloc (09022015). Collection method: clinical testing. Allele origin: germline.
Comment: In summary, the available evidence is currently insufficient to determine the role of this variant in disease. Therefore, it has been classified as a Variant of Uncertain Significance. Algorithms developed to predict the effect of missense changes on protein structure and function do not agree on the potential impact of this missense change (SIFT: "Deleterious"; PolyPhen-2: "Probably Damaging"; Align-GVGD: "Class C0"). This variant has not been reported in the literature in individuals with KIF1B-related disease. This sequence change replaces arginine with glutamine at codon 372 of the KIF1B protein (p.Arg372Gln). The arginine residue is moderately conserved and there is a small physicochemical difference between arginine and glutamine. This variant is present in population databases (rs750790168, ExAC 0.001%).

NM_001365951.3(KIF1B):c.1133G>A (p.Arg378Gln)

Gene: KIF1B (kinesin family member 1B; plus strand). Cytogenetic location: 1p36.22.
Variant type: single nucleotide variant.
Coding change: c.1133G>A on transcript NM_001365951.3 (MANE Select); coding-DNA position 1133, G replaced by A.
Protein change: p.Arg378Gln; replaces arginine 378 with glutamine.
Molecular consequence: missense variant.
Genome position (GRCh38, 1-based): chr1:10,278,081, G>A. VCF-style: chr1-10278081-G-A. GRCh37 (hg19) VCF-style: chr1-10338139-G-A.
Other names: c.1133G>A, p.Arg378Gln (NM_001365952.1); c.1115G>A, p.Arg372Gln (NM_001365953.1, NM_015074.3, NM_183416.4); short protein forms R372Q, R378Q.
Identifiers: ClinVar variation 543193 (VCV000543193.12), dbSNP rs750790168, ClinGen allele CA580893.